The following is an entry in ClinVar:

NM_001127198.5(TMC6):c.363_430+80del

Gene: TMC6 (transmembrane channel like 6; minus strand). Cytogenetic location: 17q25.3.
Variant type: Deletion.
Coding change: c.363_430+80del on transcript NM_001127198.5 (MANE Select); coding-DNA position 363 through 80 bases into the intron after coding-DNA position 430, 148 bases deleted.
Molecular consequence: splice donor variant.
Genome position (GRCh38, 1-based): chr17:78,125,646-78,125,793, 148 bases deleted. GRCh37 (hg19): chr17:76,121,729-76,121,876.
Other names: c.363_430+80del (NM_001374594.1, NM_001374596.1, NM_001374593.1 and 4 more transcripts).
Identifiers: ClinVar variation 4734696 (VCV004734696.1).

ClinVar aggregate classification (germline): Likely pathogenic (1 of 4 stars; one submission).

Conditions:
Epidermodysplasia verruciformis. Identifiers: Orphanet 302, MedGen C0014522, MONDO:0009176.

Submission:

Labcorp Genetics (formerly Invitae), Labcorp
Classification: Likely pathogenic for Epidermodysplasia verruciformis. Last evaluated: 2026-01-04. Review status: criteria provided, single submitter. Criteria: Invitae Variant Classification Sherloc (09022015). Collection method: clinical testing. Allele origin: germline.
Comment: This variant results in the deletion of part of exon 5 of the TMC6 gene. It is expected to disrupt RNA splicing. Variants that disrupt the donor or acceptor splice site typically lead to a loss of protein function (PMID: 16199547), and loss-of-function variants in TMC6 are known to be pathogenic (PMID: 15042430, 17139267). This variant is not present in population databases (gnomAD no frequency). This variant has not been reported in the literature in individuals affected with TMC6-related conditions. In summary, the currently available evidence indicates that the variant is pathogenic, but additional data are needed to prove that conclusively. Therefore, this variant has been classified as Likely Pathogenic.

Literature cited by the submitters: PubMed 16199547; PubMed 15042430; PubMed 17139267.